The following is an entry in ClinVar:

ClinVar aggregate classification (germline): Conflicting classifications of pathogenicity. Review status: criteria provided, conflicting classifications (1 of 4 stars). 2 submissions from 2 submitters: Uncertain significance (1); Likely benign (1). Last evaluated 2025-03-27.

Conditions:
Developmental and epileptic encephalopathy, 36 (DEE36). Also called: Epileptic encephalopathy, early infantile, 36; ALG13-CDG; Congenital disorder of glycosylation, type Is. Identifiers: Orphanet 324422, MedGen C4317295, MONDO:0010472, OMIM 300884.
Inborn genetic diseases. Identifiers: MedGen C0950123, MeSH D030342.

Allele frequency attached by ClinVar (database versions not stated): TOPMed 0.00001; gnomAD 0.00005.
gnomAD v4.1: 11 of 1,202,944 alleles (0.00091%); highest among the groups gnomAD compares: Admixed American, 0.022%; no homozygotes.

Submissions (2):

Labcorp Genetics (formerly Invitae), Labcorp
Classification: Likely benign for Developmental and epileptic encephalopathy, 36. Last evaluated: 2025-03-27. Review status: criteria provided, single submitter. Criteria: Invitae Variant Classification Sherloc (09022015). Collection method: clinical testing. Allele origin: germline.

Ambry Genetics
Classification: Uncertain significance for Inborn genetic diseases. Last evaluated: 2017-03-15. Review status: criteria provided, single submitter. Criteria: Ambry Variant Classification Scheme 2023. Collection method: clinical testing. Allele origin: germline.
Comment: The p.P294A variant (also known as c.880C>G), located in coding exon 6 of the ALG13 gene, results from a C to G substitution at nucleotide position 880. The proline at codon 294 is replaced by alanine, an amino acid with highly similar properties. This amino acid position is highly conserved in available vertebrate species. In addition, this alteration is predicted to be tolerated by in silico analysis. Since supporting evidence is limited at this time, the clinical significance of this alteration remains unclear.

NM_001099922.3(ALG13):c.880C>G (p.Pro294Ala)

Gene: ALG13 (ALG13 UDP-N-acetylglucosaminyltransferase subunit; plus strand). Cytogenetic location: Xq23.
Variant type: single nucleotide variant.
Coding change: c.880C>G on transcript NM_001099922.3 (MANE Select); coding-DNA position 880, C replaced by G.
Protein change: p.Pro294Ala; replaces proline 294 with alanine.
Molecular consequence: missense variant.
Genome position (GRCh38, 1-based): chrX:111,711,720, C>G. VCF-style: chrX-111711720-C-G. GRCh37 (hg19) VCF-style: chrX-110954948-C-G.
Other names: c.568C>G, p.Pro190Ala (NM_001257230.2, NM_001257234.2, NM_001257237.2 and 1 more transcripts); c.646C>G, p.Pro216Ala (NM_001257231.2); c.880C>G, p.Pro294Ala (NM_001324292.2); short protein forms P294A, P190A, P216A.
Identifiers: ClinVar variation 589561 (VCV000589561.15), dbSNP rs753556936, ClinGen allele CA10493596.